The following is an entry in ClinVar:

NM_000426.4(LAMA2):c.3706A>G (p.Lys1236Glu)

Gene: LAMA2 (laminin subunit alpha 2; plus strand). Cytogenetic location: 6q22.33.
Variant type: single nucleotide variant.
Coding change: c.3706A>G on transcript NM_000426.4 (MANE Select); coding-DNA position 3706, A replaced by G.
Protein change: p.Lys1236Glu; replaces lysine 1236 with glutamic acid.
Molecular consequence: missense variant.
Genome position (GRCh38, 1-based): chr6:129,315,626, A>G. VCF-style: chr6-129315626-A-G. GRCh37 (hg19) VCF-style: chr6-129636771-A-G.
Other names: c.3706A>G, p.Lys1236Glu (NM_001079823.2); short protein forms K1236E.
Identifiers: ClinVar variation 951680 (VCV000951680.8), dbSNP rs1284789542, ClinGen allele CA365613082.

ClinVar aggregate classification (germline): Uncertain significance (1 of 4 stars; one submission).

Conditions:
LAMA2-related muscular dystrophy (LAMA2-RD). Also called: Laminin alpha 2-related dystrophy. Identifiers: MedGen C5679788, MONDO:0100228.

Allele frequency attached by ClinVar (database versions not stated): gnomAD exomes below 0.00001; gnomAD 0.00001; TOPMed 0.00002.
gnomAD v4.1: 5 of 1,614,100 alleles (0.00031%); highest among the groups gnomAD compares: Non-Finnish European, 0.00042%; no homozygotes.

Submission:

Labcorp Genetics (formerly Invitae), Labcorp
Classification: Uncertain significance for LAMA2-related muscular dystrophy. Last evaluated: 2025-12-08. Review status: criteria provided, single submitter. Criteria: Invitae Variant Classification Sherloc (09022015). Collection method: clinical testing. Allele origin: germline.
Comment: This sequence change replaces lysine, which is basic and polar, with glutamic acid, which is acidic and polar, at codon 1236 of the LAMA2 protein (p.Lys1236Glu). This variant is present in population databases (no rsID available, gnomAD 0.0009%). This variant has not been reported in the literature in individuals affected with LAMA2-related conditions. ClinVar contains an entry for this variant (Variation ID: 951680). Invitae Evidence Modeling of protein sequence and biophysical properties (such as structural, functional, and spatial information, amino acid conservation, physicochemical variation, residue mobility, and thermodynamic stability) indicates that this missense variant is not expected to disrupt LAMA2 protein function with a negative predictive value of 95%. In summary, the available evidence is currently insufficient to determine the role of this variant in disease. Therefore, it has been classified as a Variant of Uncertain Significance.